The following is an entry in ClinVar:

ClinVar aggregate classification (germline): Uncertain significance. Review status: criteria provided, single submitter (1 of 4 stars). 2 submissions from 2 submitters: Uncertain significance (1). 1 of the submissions does not count toward it. Last evaluated 2026-08-31.

Conditions:
JARID2-related disorder. Also called: JARID2-related condition.
Inborn genetic diseases. Identifiers: MedGen C0950123, MeSH D030342.

Submissions (2):

Ambry Genetics
Classification: Uncertain significance for Inborn genetic diseases. Last evaluated: 2026-08-31. Review status: criteria provided, single submitter. Criteria: Ambry Variant Classification Scheme 2023. Collection method: clinical testing. Allele origin: germline.

PreventionGenetics, part of Exact Sciences
Classification: Uncertain significance for JARID2-related condition. Last evaluated: 2024-03-22. Review status: no assertion criteria provided. Collection method: clinical testing. Allele origin: germline. Not counted in ClinVar's aggregate classification.
Comment: The JARID2 c.3320C>T variant is predicted to result in the amino acid substitution p.Ser1107Phe. To our knowledge, this variant has not been reported in the literature or in a large population database, indicating this variant is rare. At this time, the clinical significance of this variant is uncertain due to the absence of conclusive functional and genetic evidence.

NM_004973.4(JARID2):c.3320C>T (p.Ser1107Phe)

Gene: JARID2 (jumonji and AT-rich interaction domain containing 2; plus strand). Cytogenetic location: 6p22.3.
Variant type: single nucleotide variant.
Coding change: c.3320C>T on transcript NM_004973.4 (MANE Select); coding-DNA position 3320, C replaced by T.
Protein change: p.Ser1107Phe; replaces serine 1107 with phenylalanine.
Molecular consequence: missense variant.
Genome position (GRCh38, 1-based): chr6:15,513,292, C>T. VCF-style: chr6-15513292-C-T. GRCh37 (hg19) VCF-style: chr6-15513523-C-T.
Other names: c.3320C>T (NM_004973.2); c.2804C>T, p.Ser935Phe (NM_001267040.1); short protein forms S1107F, S935F.
Identifiers: ClinVar variation 3348650 (VCV003348650.2).